The following is an entry in ClinVar:

ClinVar aggregate classification (germline): Uncertain significance (1 of 4 stars; one submission).

Allele frequency attached by ClinVar (database versions not stated): TOPMed below 0.00001; ExAC 0.00001; gnomAD 0.00001; gnomAD exomes 0.00001.
gnomAD v4.1: 14 of 1,611,950 alleles (0.00087%); highest among the groups gnomAD compares: Admixed American, 0.0083%; 1 homozygote.

Submission:

Labcorp Genetics (formerly Invitae), Labcorp
Classification: Uncertain significance. Last evaluated: 2022-10-24. Review status: criteria provided, single submitter. Criteria: Invitae Variant Classification Sherloc (09022015). Collection method: clinical testing. Allele origin: germline.
Comment: This sequence change replaces arginine, which is basic and polar, with glutamine, which is neutral and polar, at codon 562 of the FAM161A protein (p.Arg562Gln). This variant is present in population databases (rs752981498, gnomAD 0.006%). This variant has not been reported in the literature in individuals affected with FAM161A-related conditions. Algorithms developed to predict the effect of missense changes on protein structure and function are either unavailable or do not agree on the potential impact of this missense change (SIFT: "Deleterious"; PolyPhen-2: "Not Available"; Align-GVGD: "Class C0"). In summary, the available evidence is currently insufficient to determine the role of this variant in disease. Therefore, it has been classified as a Variant of Uncertain Significance.

NM_001201543.2(FAM161A):c.1685G>A (p.Arg562Gln)

Gene: FAM161A (FAM161 centrosomal protein A; minus strand). Cytogenetic location: 2p15.
Variant type: single nucleotide variant.
Coding change: c.1685G>A on transcript NM_001201543.2 (MANE Select); coding-DNA position 1685, G replaced by A.
Protein change: p.Arg562Gln; replaces arginine 562 with glutamine.
Molecular consequence: missense variant. On other transcripts: intron variant (1).
Genome position (GRCh38, 1-based): chr2:61,838,604, C>T on the plus strand (G>A on the coding strand, the complement: FAM161A is on the minus strand). VCF-style: chr2-61838604-C-T. GRCh37 (hg19) VCF-style: chr2-62065739-C-T.
Other names: c.1583+817G>A (NM_032180.3); short protein forms R562Q.
Identifiers: ClinVar variation 2141818 (VCV002141818.1), dbSNP rs752981498, ClinGen allele CA1679062.